The following is an entry in ClinVar:

NM_001966.4(EHHADH):c.1693C>T (p.Leu565Phe)

Gene: EHHADH (enoyl-CoA hydratase and 3-hydroxyacyl CoA dehydrogenase; minus strand). Cytogenetic location: 3q27.2.
Variant type: single nucleotide variant.
Coding change: c.1693C>T on transcript NM_001966.4 (MANE Select); coding-DNA position 1693, C replaced by T.
Protein change: p.Leu565Phe; replaces leucine 565 with phenylalanine.
Molecular consequence: missense variant.
Genome position (GRCh38, 1-based): chr3:185,192,705, G>A on the plus strand (C>T on the coding strand, the complement: EHHADH is on the minus strand). VCF-style: chr3-185192705-G-A. GRCh37 (hg19) VCF-style: chr3-184910493-G-A.
Other names: c.1405C>T, p.Leu469Phe (NM_001166415.2); c.1693C>T (NM_001966.3); short protein forms L565F, L469F.
Identifiers: ClinVar variation 594226 (VCV000594226.8), dbSNP rs771154497, ClinGen allele CA2738929.

ClinVar aggregate classification (germline): Uncertain significance. Review status: criteria provided, multiple submitters, no conflicts (2 of 4 stars). 3 submissions from 3 submitters: Uncertain significance (2). 1 of the submissions does not count toward it. Last evaluated 2025-08-13.

Conditions:
EHHADH-related disorder. Also called: EHHADH-related condition.

Allele frequency attached by ClinVar (database versions not stated): gnomAD 0.00001; TOPMed 0.00003; gnomAD exomes 0.00004 and 0.00009; ExAC 0.00006.
gnomAD v4.1: 25 of 1,614,004 alleles (0.0015%); highest among the groups gnomAD compares: Admixed American, 0.042%; no homozygotes.

Submissions (3):

Ambry Genetics
Classification: Uncertain significance. Last evaluated: 2025-08-13. Review status: criteria provided, single submitter. Criteria: Ambry Variant Classification Scheme 2023. Collection method: clinical testing. Allele origin: germline.

Eurofins Ntd Llc (ga)
Classification: Uncertain significance. Last evaluated: 2017-09-26. Review status: criteria provided, single submitter. Criteria: EGL Classification Definitions 2015. Collection method: clinical testing. Allele origin: germline. Observed: 1 variant allele, 1 heterozygote.

PreventionGenetics, part of Exact Sciences
Classification: Likely benign for EHHADH-related condition. Last evaluated: 2023-07-07. Review status: no assertion criteria provided. Collection method: clinical testing. Allele origin: germline. Not counted in ClinVar's aggregate classification.
Comment: This variant is classified as likely benign based on ACMG/AMP sequence variant interpretation guidelines (Richards et al. 2015 PMID: 25741868, with internal and published modifications).